The following is an entry in ClinVar:

NM_003680.4(YARS1):c.188T>A (p.Leu63Ter)

Gene: YARS1 (tyrosyl-tRNA synthetase 1; minus strand). Cytogenetic location: 1p35.1.
Variant type: single nucleotide variant.
Coding change: c.188T>A on transcript NM_003680.4 (MANE Select); coding-DNA position 188, T replaced by A.
Protein change: p.Leu63Ter; replaces leucine 63 with a stop codon.
Molecular consequence: nonsense.
Genome position (GRCh38, 1-based): chr1:32,810,927, A>T on the plus strand (T>A on the coding strand, the complement: YARS1 is on the minus strand). VCF-style: chr1-32810927-A-T. GRCh37 (hg19) VCF-style: chr1-33276528-A-T.
Other names: short protein forms L63*.
Identifiers: ClinVar variation 3360302 (VCV003360302.1).

ClinVar aggregate classification (germline): Uncertain significance (1 of 4 stars; one submission).

Submission:

GeneDx
Classification: Uncertain significance. Last evaluated: 2023-06-28. Review status: criteria provided, single submitter. Criteria: GeneDx Variant Classification Process June 2021. Collection method: clinical testing. Allele origin: germline. Affected: yes.
Comment: Nonsense variant predicted to result in protein truncation or nonsense mediated decay in a gene or region of a gene for which loss of function is not a well-established mechanism of disease; Not observed at significant frequency in large population cohorts (gnomAD); Has not been previously published as pathogenic or benign to our knowledge